The following is an entry in ClinVar:

ClinVar aggregate classification (germline): Benign/Likely benign. Review status: criteria provided, multiple submitters, no conflicts (2 of 4 stars). 3 submissions from 3 submitters: Benign (1); Likely benign (2). Last evaluated 2025-06-11.

Conditions:
Retinitis pigmentosa (RP). Identifiers: Orphanet 791, MedGen C0035334, MeSH D012174, MONDO:0019200, OMIM 268000. Inheritance: Autosomal dominant, autosomal recessive and X linked inheritance.

Allele frequency attached by ClinVar (database versions not stated): gnomAD 0.00013 and 0.00014; TOPMed 0.00016; gnomAD exomes 0.00035; ESP Exome Variant Server 0.00054; ExAC 0.00066.
gnomAD v4.1: 247 of 1,487,358 alleles (0.017%); highest among the groups gnomAD compares: South Asian, 0.0048%; 2 homozygotes.

Submissions (3):

Labcorp Genetics (formerly Invitae), Labcorp
Classification: Benign. Last evaluated: 2025-06-11. Review status: criteria provided, single submitter. Criteria: Invitae Variant Classification Sherloc (09022015). Collection method: clinical testing. Allele origin: germline.

Blueprint Genetics
Classification: Likely benign. Last evaluated: 2023-08-08. Review status: criteria provided, single submitter. Criteria: ACMG Guidelines, 2015. Collection method: clinical testing. Allele origin: germline.

Illumina Laboratory Services, Illumina
Classification: Likely benign for Retinitis pigmentosa. Last evaluated: 2018-01-13. Review status: criteria provided, single submitter. Criteria: ICSL Variant Classification Criteria 13 December 2019. Collection method: clinical testing. Allele origin: germline.
Comment: This variant was observed in the ICSL laboratory as part of a predisposition screen in an ostensibly healthy population. It had not been previously curated by ICSL or reported in the Human Gene Mutation Database (HGMD: prior to June 1st, 2018), and was therefore a candidate for classification through an automated scoring system. Utilizing variant allele frequency, disease prevalence and penetrance estimates, and inheritance mode, an automated score was calculated to assess if this variant is too frequent to cause the disease. Based on the score and internal cut-off values, a variant classified as likely benign is not then subjected to further curation. The score for this variant resulted in a classification of likely benign for this disease.

NM_014014.5(SNRNP200):c.4393-10C>T

Gene: SNRNP200 (small nuclear ribonucleoprotein U5 subunit 200; minus strand). Cytogenetic location: 2q11.2.
Variant type: single nucleotide variant.
Coding change: c.4393-10C>T on transcript NM_014014.5 (MANE Select); 10 bases into the intron before coding-DNA position 4393, C replaced by T.
Molecular consequence: intron variant.
Genome position (GRCh38, 1-based): chr2:96,284,014, G>A on the plus strand (C>T on the coding strand, the complement: SNRNP200 is on the minus strand). VCF-style: chr2-96284014-G-A. GRCh37 (hg19) VCF-style: chr2-96949752-G-A.
Identifiers: ClinVar variation 899045 (VCV000899045.13), dbSNP rs372636600, ClinGen allele CA1778214.